The following is an entry in ClinVar:

NM_000488.4(SERPINC1):c.28A>G (p.Thr10Ala)

Gene: SERPINC1 (serpin family C member 1; minus strand). Cytogenetic location: 1q25.1.
Variant type: single nucleotide variant.
Coding change: c.28A>G on transcript NM_000488.4 (MANE Select); coding-DNA position 28, A replaced by G.
Protein change: p.Thr10Ala; replaces threonine 10 with alanine.
Molecular consequence: missense variant. On other transcripts: 5 prime UTR variant (1), intron variant (1).
Genome position (GRCh38, 1-based): chr1:173,917,232, T>C on the plus strand (A>G on the coding strand, the complement: SERPINC1 is on the minus strand). VCF-style: chr1-173917232-T-C. GRCh37 (hg19) VCF-style: chr1-173886370-T-C.
Other names: c.-286A>G (NM_001365052.2); c.28A>G, p.Thr10Ala (NM_001386302.1, NM_001386304.1, NM_001386305.1 and 1 more transcripts); c.24+4A>G (NM_001386303.1); short protein forms T10A.
Identifiers: ClinVar variation 4751213 (VCV004751213.1).

ClinVar aggregate classification (germline): Uncertain significance (1 of 4 stars; one submission).

Conditions:
Hereditary antithrombin deficiency (AT3D). Also called: Antithrombin III deficiency; Thrombophilia due to antithrombin III deficiency; Antithrombin deficiency; Reduced antithrombin III activity. Identifiers: Orphanet 82, MedGen C0272375, MONDO:0013144, OMIM 613118, HP:0001976.

gnomAD v4.1: 10 of 1,614,018 alleles (0.00062%); highest among the groups gnomAD compares: Non-Finnish European, 0.00076%; no homozygotes.

Submission:

Labcorp Genetics (formerly Invitae), Labcorp
Classification: Uncertain significance for Hereditary antithrombin deficiency. Last evaluated: 2026-01-09. Review status: criteria provided, single submitter. Criteria: Invitae Variant Classification Sherloc (09022015). Collection method: clinical testing. Allele origin: germline.
Comment: This sequence change replaces threonine, which is neutral and polar, with alanine, which is neutral and non-polar, at codon 10 of the SERPINC1 protein (p.Thr10Ala). This variant is not present in population databases (gnomAD no frequency). This variant has not been reported in the literature in individuals affected with SERPINC1-related conditions. Invitae Evidence Modeling of protein sequence and biophysical properties (such as structural, functional, and spatial information, amino acid conservation, physicochemical variation, residue mobility, and thermodynamic stability) indicates that this missense variant is not expected to disrupt SERPINC1 protein function with a negative predictive value of 95%. In summary, the available evidence is currently insufficient to determine the role of this variant in disease. Therefore, it has been classified as a Variant of Uncertain Significance.